The following is an entry in ClinVar:

NM_006984.5(CLDN10):c.187T>C (p.Cys63Arg)

Gene: CLDN10 (claudin 10; plus strand). Cytogenetic location: 13q32.1.
Variant type: single nucleotide variant.
Coding change: c.187T>C on transcript NM_006984.5 (MANE Select); coding-DNA position 187, T replaced by C.
Protein change: p.Cys63Arg; replaces cysteine 63 with arginine.
Molecular consequence: missense variant. On other transcripts: intron variant (2).
Genome position (GRCh38, 1-based): chr13:95,552,940, T>C. VCF-style: chr13-95552940-T-C. GRCh37 (hg19) VCF-style: chr13-96205194-T-C.
Other names: c.187T>C (NM_006984.4); c.215-7192T>C (NM_182848.4); c.158-7192T>C (NM_001160100.2); short protein forms C63R.
Identifiers: ClinVar variation 4981628 (VCV004981628.1).
Genomic context (GRCh38, chr13:95,552,940, plus strand): 5'-GCCACCTATTGGGCCAACCTGTGGAAGGCGTGCGTTACCGACTCCACGGGCGTCTCCAAC[T>C]GCAAGGACTTCCCCTCCATGCTGGCGCTGGACGGTCTGCATCCCCGCGGCCCCCGCCCTC-3'
Protein context (NP_008915.1, residues 53-73): CVTDSTGVSN[Cys63Arg]KDFPSMLALD

ClinVar aggregate classification (germline): Uncertain significance (1 of 4 stars; one submission).

Conditions:
CLDN10-related disorder. Also called: CLDN10-related condition.

gnomAD v4.1: 278 of 1,613,956 alleles (0.017%); highest among the groups gnomAD compares: Non-Finnish European, 0.023%; 1 homozygote.

Submission:

PreventionGenetics, part of Exact Sciences
Classification: Uncertain significance for CLDN10-related condition. Last evaluated: 2025-12-17. Review status: criteria provided, single submitter. Criteria: ACMG Guidelines, 2015. Collection method: clinical testing. Allele origin: germline.
Comment: The CLDN10 c.187T>C variant is predicted to result in the amino acid substitution p.Cys63Arg. To our knowledge, this variant has not been reported in the literature. This variant is reported in 0.0086% of alleles in individuals of European (Non-Finnish) descent in gnomAD. At this time, the clinical significance of this variant is uncertain due to the absence of conclusive functional and genetic evidence.